The following is an entry in ClinVar:

ClinVar aggregate classification (germline): Uncertain significance (1 of 4 stars; one submission).

Submission:

Ambry Genetics
Classification: Uncertain significance. Last evaluated: 2021-12-10. Review status: criteria provided, single submitter. Criteria: Ambry Variant Classification Scheme 2023. Collection method: clinical testing. Allele origin: germline.
Comment: The p.S211I variant (also known as c.632G>T), located in coding exon 5 of the BUB3 gene, results from a G to T substitution at nucleotide position 632. The serine at codon 211 is replaced by isoleucine, an amino acid with dissimilar properties. This amino acid position is conserved. In addition, the in silico prediction for this alteration is inconclusive. Since supporting evidence is limited at this time, the clinical significance of this alteration remains unclear.

NM_004725.4(BUB3):c.632G>T (p.Ser211Ile)

Gene: BUB3 (BUB3 mitotic checkpoint protein; plus strand). Cytogenetic location: 10q26.13.
Variant type: single nucleotide variant.
Coding change: c.632G>T on transcript NM_004725.4 (MANE Select); coding-DNA position 632, G replaced by T.
Protein change: p.Ser211Ile; replaces serine 211 with isoleucine.
Molecular consequence: missense variant.
Genome position (GRCh38, 1-based): chr10:123,162,291, G>T. VCF-style: chr10-123162291-G-T. GRCh37 (hg19) VCF-style: chr10-124921807-G-T.
Other names: c.632G>T, p.Ser211Ile (NM_001007793.3); short protein forms S211I.
Identifiers: ClinVar variation 1752898 (VCV001752898.2), dbSNP rs2493765869, ClinGen allele CA378626537.